The following is an entry in ClinVar:

NM_053025.4(MYLK):c.3761C>A (p.Ser1254Ter)

Gene: MYLK (myosin light chain kinase; minus strand). Cytogenetic location: 3q21.1.
Variant type: single nucleotide variant.
Coding change: c.3761C>A on transcript NM_053025.4 (MANE Select); coding-DNA position 3761, C replaced by A.
Protein change: p.Ser1254Ter; replaces serine 1254 with a stop codon.
Molecular consequence: nonsense.
Genome position (GRCh38, 1-based): chr3:123,666,289, G>T on the plus strand (C>A on the coding strand, the complement: MYLK is on the minus strand). VCF-style: chr3-123666289-G-T. GRCh37 (hg19) VCF-style: chr3-123385136-G-T.
Other names: c.3233C>A, p.Ser1078Ter (NM_001321309.2); c.3554C>A, p.Ser1185Ter (NM_053026.4, NM_053028.4); c.3761C>A, p.Ser1254Ter (NM_053027.4); short protein forms S1078*, S1185*, S1254*.
Identifiers: ClinVar variation 4882683 (VCV004882683.2).

ClinVar aggregate classification (germline): Likely pathogenic (1 of 4 stars; one submission).

Conditions:
Aortic aneurysm, familial thoracic 7 (AAT7). Also called: AORTIC DISSECTION, FAMILIAL, WITH OR WITHOUT AORTIC ANEURYSM. Identifiers: MedGen C3151077, MONDO:0013418, OMIM 613780.

Submission:

Dasa
Classification: Likely pathogenic for Aortic aneurysm, familial thoracic 7. Last evaluated: 2025-10-13. Review status: criteria provided, single submitter. Criteria: DASA Assertion Criteria. Collection method: clinical testing. Allele origin: germline.
Comment: NM_053025.4(MYLK):c.3761C>A (p.Ser1254*) is a nonsense variant in MYLK predicted to introduce a premature termination codon and is predicted to result in an absent or altered protein product. Loss of function is an established disease mechanism for MYLK (PMID: 21055718; PMID: 25907466; PMID: 29925964). Also, this variant is absent from population databases. Based on the currently available evidence, this variant is classified as likely pathogenic.

Literature cited by the submitters: PubMed 21055718; PubMed 25907466; PubMed 29925964.